The following is an entry in ClinVar:

NM_001145073.3(USP27X):c.210C>T (p.Thr70=)

Gene: USP27X (ubiquitin specific peptidase 27 X-linked; plus strand). Cytogenetic location: Xp11.23.
Variant type: single nucleotide variant.
Coding change: c.210C>T on transcript NM_001145073.3 (MANE Select); coding-DNA position 210, C replaced by T.
Protein change: p.Thr70=; no amino-acid change (threonine 70 retained).
Molecular consequence: synonymous variant.
Genome position (GRCh38, 1-based): chrX:49,880,517, C>T. VCF-style: chrX-49880517-C-T. GRCh37 (hg19) VCF-style: chrX-49645120-C-T.
Identifiers: ClinVar variation 3907404 (VCV003907404.1).

ClinVar aggregate classification (germline): Likely benign (1 of 4 stars; one submission).

gnomAD v4.1: 1 of 1,166,043 alleles (0.000086%); highest among the groups gnomAD compares: Admixed American, 0.0026%; no homozygotes.

Submission:

Women's Health and Genetics/Laboratory Corporation of America, LabCorp
Classification: Likely benign. Last evaluated: 2025-06-04. Review status: criteria provided, single submitter. Criteria: LabCorp Variant Classification Summary - May 2015. Collection method: clinical testing. Allele origin: germline.
Comment: Variant summary: USP27X c.210C>T alters a non-conserved nucleotide resulting in a synonymous change. Consensus agreement among computation tools predict no significant impact on normal splicing. However, these predictions have yet to be confirmed by functional studies. The variant was absent in 114943 control chromosomes. The available data on variant occurrences in the general population are insufficient to allow any conclusion about variant significance. To our knowledge, no occurrence of c.210C>T in individuals affected with Intellectual Disability, X-Linked 105 and no experimental evidence demonstrating its impact on protein function have been reported. No submitters have cited clinical-significance assessments for this variant to ClinVar. Based on the evidence outlined above, the variant was classified as likely benign.